The following is an entry in ClinVar:

ClinVar aggregate classification (germline): Uncertain significance (1 of 4 stars; one submission).

Allele frequency attached by ClinVar (database versions not stated): TOPMed below 0.00001.

Submission:

Labcorp Genetics (formerly Invitae), Labcorp
Classification: Uncertain significance. Last evaluated: 2022-02-28. Review status: criteria provided, single submitter. Criteria: Invitae Variant Classification Sherloc (09022015). Collection method: clinical testing. Allele origin: germline.
Comment: This sequence change replaces alanine, which is neutral and non-polar, with valine, which is neutral and non-polar, at codon 585 of the DOCK6 protein (p.Ala585Val). This variant is not present in population databases (gnomAD no frequency). This variant has not been reported in the literature in individuals affected with DOCK6-related conditions. Algorithms developed to predict the effect of missense changes on protein structure and function are either unavailable or do not agree on the potential impact of this missense change (SIFT: "Tolerated"; PolyPhen-2: "Probably Damaging"; Align-GVGD: "Class C0"). Algorithms developed to predict the effect of sequence changes on RNA splicing suggest that this variant may create or strengthen a splice site. In summary, the available evidence is currently insufficient to determine the role of this variant in disease. Therefore, it has been classified as a Variant of Uncertain Significance.

NM_020812.4(DOCK6):c.1754C>T (p.Ala585Val)

Gene: DOCK6 (dedicator of cytokinesis 6; minus strand). Cytogenetic location: 19p13.2.
Variant type: single nucleotide variant.
Coding change: c.1754C>T on transcript NM_020812.4 (MANE Select); coding-DNA position 1754, C replaced by T.
Protein change: p.Ala585Val; replaces alanine 585 with valine.
Molecular consequence: missense variant.
Genome position (GRCh38, 1-based): chr19:11,238,194, G>A on the plus strand (C>T on the coding strand, the complement: DOCK6 is on the minus strand). VCF-style: chr19-11238194-G-A. GRCh37 (hg19) VCF-style: chr19-11348870-G-A.
Other names: c.1754C>T, p.Ala585Val (NM_001367830.1); short protein forms A585V.
Identifiers: ClinVar variation 1914720 (VCV001914720.5), dbSNP rs2079882405, ClinGen allele CA404102911.